The following is an entry in ClinVar:

NM_000222.3(KIT):c.1581T>G (p.Ile527Met)

Gene: KIT (KIT proto-oncogene, receptor tyrosine kinase; plus strand). Cytogenetic location: 4q12.
Variant type: single nucleotide variant.
Coding change: c.1581T>G on transcript NM_000222.3 (MANE Select); coding-DNA position 1581, T replaced by G.
Protein change: p.Ile527Met; replaces isoleucine 527 with methionine.
Molecular consequence: missense variant.
Genome position (GRCh38, 1-based): chr4:54,727,258, T>G. VCF-style: chr4-54727258-T-G. GRCh37 (hg19) VCF-style: chr4-55593424-T-G.
Other names: c.1569T>G, p.Ile523Met (NM_001093772.2, NM_001385286.1); c.1584T>G, p.Ile528Met (NM_001385284.1, NM_001385290.1); c.1581T>G, p.Ile527Met (NM_001385285.1); c.1572T>G, p.Ile524Met (NM_001385288.1, NM_001385292.1); c.1581T>G (NM_000222.2); short protein forms I527M, I523M, I524M, I528M.
Identifiers: ClinVar variation 1387120 (VCV001387120.10), dbSNP rs994448695, ClinGen allele CA96875453.

ClinVar aggregate classification (germline): Uncertain significance. Review status: criteria provided, multiple submitters, no conflicts (2 of 4 stars). 2 submissions from 2 submitters: Uncertain significance (2). Last evaluated 2023-06-22.

Conditions:
Hereditary cancer-predisposing syndrome. Also called: Tumor predisposition; Hereditary Cancer Syndrome; Hereditary neoplastic syndrome; Neoplastic Syndromes, Hereditary. Identifiers: Orphanet 140162, MedGen C0027672, MeSH D009386, MONDO:0015356.
Gastrointestinal stromal tumor. Also called: Gastrointestinal stroma tumor; Gastrointestinal stromal tumor, somatic. Identifiers: Orphanet 44890, MedGen C0238198, MeSH D046152, MONDO:0011719, OMIM 606764, HP:0100723.

Allele frequency attached by ClinVar (database versions not stated): gnomAD exomes below 0.00001; gnomAD 0.00001; TOPMed 0.00002.
gnomAD v4.1: 3 of 1,614,054 alleles (0.00019%); highest among the groups gnomAD compares: Non-Finnish European, 0.00025%; no homozygotes.

Submissions (2):

Ambry Genetics
Classification: Uncertain significance for Hereditary cancer-predisposing syndrome. Last evaluated: 2023-06-22. Review status: criteria provided, single submitter. Criteria: Ambry Variant Classification Scheme 2023. Collection method: clinical testing. Allele origin: germline.
Comment: The p.I527M variant (also known as c.1581T>G), located in coding exon 10 of the KIT gene, results from a T to G substitution at nucleotide position 1581. The isoleucine at codon 527 is replaced by methionine, an amino acid with highly similar properties. This amino acid position is conserved. In addition, this alteration is predicted to be tolerated by in silico analysis. Since supporting evidence is limited at this time, the clinical significance of this alteration remains unclear.

Labcorp Genetics (formerly Invitae), Labcorp
Classification: Uncertain significance for Gastrointestinal stromal tumor. Last evaluated: 2023-02-18. Review status: criteria provided, single submitter. Criteria: Invitae Variant Classification Sherloc (09022015). Collection method: clinical testing. Allele origin: germline.
Comment: This sequence change replaces isoleucine, which is neutral and non-polar, with methionine, which is neutral and non-polar, at codon 527 of the KIT protein (p.Ile527Met). In summary, the available evidence is currently insufficient to determine the role of this variant in disease. Therefore, it has been classified as a Variant of Uncertain Significance. An algorithm developed to predict the effect of missense changes on protein structure and function (PolyPhen-2) suggests that this variant is likely to be disruptive. ClinVar contains an entry for this variant (Variation ID: 1387120). This variant has not been reported in the literature in individuals affected with KIT-related conditions. This variant is not present in population databases (gnomAD no frequency).